The following is an entry in ClinVar:

ClinVar aggregate classification (germline): Conflicting classifications of pathogenicity. Review status: criteria provided, conflicting classifications (1 of 4 stars). 2 submissions from 2 submitters: Likely pathogenic (1); Uncertain significance (1). Last evaluated 2024-04-18.

Conditions:
Sulfite oxidase deficiency due to molybdenum cofactor deficiency type B1 (MOCODB1). Also called: Molybdenum cofactor deficiency, complementation group B; MOLYBDENUM COFACTOR DEFICIENCY, TYPE B1; Molybdenum cofactor deficiency B; Sulfite oxidase deficiency due to molybdenum cofactor deficiency type B. Identifiers: Orphanet 308393, Orphanet 833, MedGen C6065887, MONDO:0009644, OMIM 252160.

Submissions (2):

Fulgent Genetics
Classification: Likely pathogenic for Sulfite oxidase deficiency due to molybdenum cofactor deficiency type B1. Last evaluated: 2024-04-18. Review status: criteria provided, single submitter. Criteria: ACMG Guidelines, 2015. Collection method: clinical testing. Allele origin: germline.

Labcorp Genetics (formerly Invitae), Labcorp
Classification: Uncertain significance. Last evaluated: 2021-10-14. Review status: criteria provided, single submitter. Criteria: Invitae Variant Classification Sherloc (09022015). Collection method: clinical testing. Allele origin: germline.
Comment: In summary, the available evidence is currently insufficient to determine the role of this variant in disease. Therefore, it has been classified as a Variant of Uncertain Significance. Experimental studies and prediction algorithms are not available or were not evaluated, and the functional significance of this variant is currently unknown. This variant has not been reported in the literature in individuals affected with MOCS2B-related conditions. This variant is not present in population databases (ExAC no frequency). This sequence change results in a frameshift in the MOCS2B gene (p.Lys167Argfs*28). While this is not anticipated to result in nonsense mediated decay, it is expected to disrupt the last 22 amino acid(s) of the MOCS2B protein and extend the protein by 5 additional amino acid residues.

NM_004531.5(MOCS2):c.500del (p.Lys167fs)

Gene: MOCS2 (molybdenum cofactor synthesis 2; minus strand). Cytogenetic location: 5q11.2.
Variant type: Deletion.
Coding change: c.500del on transcript NM_004531.5 (MANE Select); coding-DNA position 500, one base deleted (A; older notation c.500delA).
Protein change: p.Lys167fs; shifts the reading frame from lysine 167.
Molecular consequence: frameshift variant. On other transcripts: 3 prime UTR variant (1).
Genome position (GRCh38, 1-based): chr5:53,100,412, T deleted on the plus strand (A on the coding strand, the reverse complement: MOCS2 is on the minus strand); the first of 5 consecutive T bases (chr5:53,100,412-53,100,416); deleting any one gives the same sequence. VCF-style (leftmost placement, unchanged base first): chr5-53100411-CT-C. GRCh37 (hg19) VCF-style: chr5-52396241-CT-C.
Other names: c.*420del (NM_176806.4); short protein forms K167fs.
Identifiers: ClinVar variation 1417191 (VCV001417191.5), dbSNP rs2112081965, ClinGen allele CA2573139767.